The following is an entry in ClinVar:

NM_001375405.1(CEP120):c.2580+6T>G

Gene: CEP120 (centrosomal protein 120; minus strand). Cytogenetic location: 5q23.2.
Variant type: single nucleotide variant.
Coding change: c.2580+6T>G on transcript NM_001375405.1 (MANE Select); 6 bases into the intron after coding-DNA position 2580, T replaced by G.
Molecular consequence: intron variant.
Genome position (GRCh38, 1-based): chr5:123,364,490, A>C on the plus strand (T>G on the coding strand, the complement: CEP120 is on the minus strand). VCF-style: chr5-123364490-A-C. GRCh37 (hg19) VCF-style: chr5-122700184-A-C.
Other names: c.2580+6T>G (NM_153223.3, NM_153223.4, NM_001375407.1); c.2502+6T>G (NM_001166226.2); c.2007+6T>G (NM_001375408.1, NM_001375409.1); c.2445+6T>G (NM_001375406.1).
Identifiers: ClinVar variation 1578383 (VCV001578383.11), dbSNP rs200418811, ClinGen allele CA3386589.

ClinVar aggregate classification (germline): Conflicting classifications of pathogenicity. Review status: criteria provided, conflicting classifications (1 of 4 stars). 4 submissions from 4 submitters: Uncertain significance (1); Likely benign (2). 1 of the submissions does not count toward it. Last evaluated 2025-12-03.

Conditions:
CEP120-related disorder. Also called: CEP120-related condition; CEP120-Related Disorders.
Short-rib thoracic dysplasia 13 with or without polydactyly (SRTD13). Identifiers: Orphanet 474, MedGen C4225378, MONDO:0014577, OMIM 616300.

Allele frequency attached by ClinVar (database versions not stated): 1000 Genomes Project 30x 0.00047; 1000 Genomes Project 0.00060; ESP Exome Variant Server 0.00062; gnomAD 0.00062; TOPMed 0.00070.
gnomAD v4.1: 158 of 1,584,404 alleles (0.01%); highest among the groups gnomAD compares: African/African-American, 0.15%; no homozygotes.

Submissions (4):

Labcorp Genetics (formerly Invitae), Labcorp
Classification: Likely benign for Short-rib thoracic dysplasia 13 with or without polydactyly. Last evaluated: 2025-12-03. Review status: criteria provided, single submitter. Criteria: Invitae Variant Classification Sherloc (09022015). Collection method: clinical testing. Allele origin: germline.

GeneDx
Classification: Uncertain significance. Last evaluated: 2024-02-09. Review status: criteria provided, single submitter. Criteria: GeneDx Variant Classification Process June 2021. Collection method: clinical testing. Allele origin: germline. Affected: yes.
Comment: In silico analysis supports that this variant does not alter splicing; Has not been previously published as pathogenic or benign to our knowledge

Blueprint Genetics
Classification: Likely benign. Last evaluated: 2022-10-14. Review status: criteria provided, single submitter. Criteria: ACMG Guidelines, 2015. Collection method: clinical testing. Allele origin: germline.

PreventionGenetics, part of Exact Sciences
Classification: Likely benign for CEP120-related condition. Last evaluated: 2019-04-29. Review status: no assertion criteria provided. Collection method: clinical testing. Allele origin: germline. Not counted in ClinVar's aggregate classification.
Comment: This variant is classified as likely benign based on ACMG/AMP sequence variant interpretation guidelines (Richards et al. 2015 PMID: 25741868, with internal and published modifications).